The following is an entry in ClinVar:

ClinVar aggregate classification (germline): Pathogenic (1 of 4 stars; one submission).

Conditions:
Leukodystrophy, hypomyelinating, 7, with or without oligodontia and/or hypogonadotropic hypogonadism (HLD7). Also called: LEUKOENCEPHALOPATHY, HYPOMYELINATING, WITH ATAXIA AND DELAYED DENTITION; ATAXIA, DELAYED DENTITION, AND HYPOMYELINATION; LEUKODYSTROPHY, HYPOMYELINATING, 7, WITH OLIGODONTIA; LEUKODYSTROPHY, HYPOMYELINATING, 7, WITH OLIGODONTIA AND HYPOGONADOTROPIC HYPOGONADISM; LEUKODYSTROPHY, HYPOMYELINATING, 7, WITHOUT OLIGODONTIA OR HYPOGONADOTROPIC HYPOGONADISM; Ataxia, Delayed Dentition and Hypomyelination (ADDH). Identifiers: Orphanet 137639, Orphanet 447893, Orphanet 447896, Orphanet 77295, Orphanet 88637, MedGen CN034185, MONDO:0011897, OMIM 607694.

Submission:

Clinical Genetics Laboratory, Skane University Hospital Lund
Classification: Pathogenic for Leukodystrophy, hypomyelinating, 7, with or without oligodontia and/or hypogonadotropic hypogonadism. Last evaluated: 2026-02-19. Review status: criteria provided, single submitter. Criteria: ACMG Guidelines, 2015. Collection method: clinical testing. Allele origin: germline. Affected: yes.
Comment: ACMG criteria used: PVS1, PM2 and PM3.

NM_007055.4(POLR3A):c.2629A>T (p.Lys877Ter)

Gene: POLR3A (RNA polymerase III subunit A; minus strand). Cytogenetic location: 10q22.3.
Variant type: single nucleotide variant.
Coding change: c.2629A>T on transcript NM_007055.4 (MANE Select); coding-DNA position 2629, A replaced by T.
Protein change: p.Lys877Ter; replaces lysine 877 with a stop codon.
Molecular consequence: nonsense.
Genome position (GRCh38, 1-based): chr10:77,993,355, T>A on the plus strand (A>T on the coding strand, the complement: POLR3A is on the minus strand). VCF-style: chr10-77993355-T-A. GRCh37 (hg19) VCF-style: chr10-79753113-T-A.
Other names: short protein forms K877*.
Identifiers: ClinVar variation 3336932 (VCV003336932.2).